The following is an entry in ClinVar:

NM_001199267.2(DGKZ):c.162-845G>A

Gene: DGKZ (diacylglycerol kinase zeta; plus strand). Cytogenetic location: 11p11.2.
Variant type: single nucleotide variant.
Coding change: c.162-845G>A on transcript NM_001199267.2 (MANE Select); 845 bases into the intron before coding-DNA position 162, G replaced by A.
Molecular consequence: intron variant. On other transcripts: missense variant (1).
Genome position (GRCh38, 1-based): chr11:46,366,446, G>A. VCF-style: chr11-46366446-G-A. GRCh37 (hg19) VCF-style: chr11-46387996-G-A.
Other names: c.190G>A, p.Gly64Arg (NM_001105540.2); c.213-845G>A (NM_201532.3); c.177-845G>A (NM_201533.3); c.162-845G>A (NM_001199266.2, NM_003646.4, NM_001199268.2); short protein forms G64R.
Identifiers: ClinVar variation 2179187 (VCV002179187.4), dbSNP rs1439192939, ClinGen allele CA380210450.

ClinVar aggregate classification (germline): Uncertain significance (1 of 4 stars; one submission).

Allele frequency attached by ClinVar (database versions not stated): gnomAD 0.00003; TOPMed 0.00003.
gnomAD v4.1: 15 of 1,552,818 alleles (0.00097%); highest among the groups gnomAD compares: Admixed American, 0.0077%; no homozygotes.

Submission:

Labcorp Genetics (formerly Invitae), Labcorp
Classification: Uncertain significance. Last evaluated: 2021-12-02. Review status: criteria provided, single submitter. Criteria: Invitae Variant Classification Sherloc (09022015). Collection method: clinical testing. Allele origin: germline.
Comment: Algorithms developed to predict the effect of missense changes on protein structure and function output the following: SIFT: "Deleterious"; PolyPhen-2: "Benign"; Align-GVGD: "Class C0". The arginine amino acid residue is found in multiple mammalian species, which suggests that this missense change does not adversely affect protein function. In summary, the available evidence is currently insufficient to determine the role of this variant in disease. Therefore, it has been classified as a Variant of Uncertain Significance. Algorithms developed to predict the effect of sequence changes on RNA splicing suggest that this variant may create or strengthen a splice site. This variant has not been reported in the literature in individuals affected with DGKZ-related conditions. This variant is present in population databases (no rsID available, gnomAD 0.009%). This sequence change replaces glycine, which is neutral and non-polar, with arginine, which is basic and polar, at codon 64 of the DGKZ protein (p.Gly64Arg).